The following is an entry in ClinVar:

NM_198586.3(NHLRC1):c.98T>C (p.Phe33Ser)

Gene: NHLRC1 (NHL repeat containing E3 ubiquitin protein ligase 1; minus strand). Cytogenetic location: 6p22.3.
Variant type: single nucleotide variant.
Coding change: c.98T>C on transcript NM_198586.3 (MANE Select); coding-DNA position 98, T replaced by C.
Protein change: p.Phe33Ser; replaces phenylalanine 33 with serine.
Molecular consequence: missense variant.
Genome position (GRCh38, 1-based): chr6:18,122,509, A>G on the plus strand (T>C on the coding strand, the complement: NHLRC1 is on the minus strand). VCF-style: chr6-18122509-A-G. GRCh37 (hg19) VCF-style: chr6-18122740-A-G.
Other names: short protein forms F33S.
Identifiers: ClinVar variation 3720676 (VCV003720676.2).

ClinVar aggregate classification (germline): Pathogenic (1 of 4 stars; one submission).

Conditions:
Lafora disease. Also called: Epilepsy progressive myoclonic 2; Progressive Myoclonus Epilepsy, Lafora Type. Identifiers: Orphanet 501, MedGen C0751783, MONDO:0009697.

Submission:

Labcorp Genetics (formerly Invitae), Labcorp
Classification: Pathogenic for Lafora disease. Last evaluated: 2024-08-05. Review status: criteria provided, single submitter. Criteria: Invitae Variant Classification Sherloc (09022015). Collection method: clinical testing. Allele origin: germline.
Comment: This sequence change replaces phenylalanine, which is neutral and non-polar, with serine, which is neutral and polar, at codon 33 of the NHLRC1 protein (p.Phe33Ser). This variant is present in population databases (rs757759398, gnomAD 0.007%). This missense change has been observed in individual(s) with Lafora disease (PMID: 12958597, 35708461). Advanced modeling of protein sequence and biophysical properties (such as structural, functional, and spatial information, amino acid conservation, physicochemical variation, residue mobility, and thermodynamic stability) has been performed at Invitae for this missense variant, however the output from this modeling did not meet the statistical confidence thresholds required to predict the impact of this variant on NHLRC1 protein function. Experimental studies have shown that this missense change affects NHLRC1 function (PMID: 15930137). For these reasons, this variant has been classified as Pathogenic.

Literature cited by the submitters: PubMed 12958597; PubMed 35708461; PubMed 15930137.